The following is an entry in ClinVar:

NM_000169.3(GLA):c.188G>A (p.Cys63Tyr)

Genes: GLA (galactosidase alpha; minus strand), RPL36A-HNRNPH2 (RPL36A-HNRNPH2 readthrough; plus strand). Cytogenetic location: Xq22.1.
Variant type: single nucleotide variant.
Coding change: c.188G>A on transcript NM_000169.3 (MANE Select); coding-DNA position 188, G replaced by A.
Protein change: p.Cys63Tyr; replaces cysteine 63 with tyrosine.
Molecular consequence: missense variant. On other transcripts: non-coding transcript variant (3), intron variant (2).
Genome position (GRCh38, 1-based): chrX:101,407,716, C>T on the plus strand (G>A on the coding strand, the complement: GLA is on the minus strand). VCF-style: chrX-101407716-C-T. GRCh37 (hg19) VCF-style: chrX-100662704-C-T.
Other names: c.188G>A, p.Cys63Tyr (NM_001406747.1, NM_001406748.1, NM_001406749.1); c.301-4220C>T (NM_001199973.2); c.178-4220C>T (NM_001199974.2); short protein forms C63Y.
Identifiers: ClinVar variation 595414 (VCV000595414.13), dbSNP rs1569306022, ClinGen allele CA413936631.
Genomic context (GRCh38, chrX:101,407,716, plus strand): 5'-ACACACCCAAACACATGGAAAAGCAAAGGGAAGGGAGTACCCAATATCTGATACCTGATG[C>T]AGGAATCTGGCTCTTCCTGGCAGTCAAGGTTGCACATGAAGCGCTCCCAGTGCAGCCAGC-3'
Protein context (NP_000160.1, residues 53-73): NLDCQEEPDS[Cys63Tyr]ISEKLFMEMA

ClinVar aggregate classification (germline): Pathogenic. Review status: criteria provided, multiple submitters, no conflicts (2 of 4 stars). 4 submissions from 4 submitters: Pathogenic (4). Last evaluated 2026-09-08.

Conditions:
Fabry disease. Also called: Fabry's disease; Angiokeratoma corporis diffusum; ALPHA-GALACTOSIDASE A DEFICIENCY; ANDERSON-FABRY DISEASE; CERAMIDE TRIHEXOSIDASE DEFICIENCY; GLA DEFICIENCY. Identifiers: Orphanet 324, MedGen C0002986, MONDO:0010526, OMIM 301500, HP:0001071. Disease mechanism: loss of function, Fabry disease is due to inactivating mutations in the X-linked GLA gene resulting in deficiency of the enzyme Alpha Galactosidase-A..

Submissions (4):

Genomenon, Inc
Classification: Pathogenic for Fabry disease. Last evaluated: 2026-09-08. Review status: criteria provided, single submitter. Criteria: Genomenon Sequence Variant Interpretation Standards - Updated. Collection method: curation. Allele origin: germline. Affected: yes.
Comment: GLA p.Cys63Tyr (c.188G>A) is a missense variant that changes the amino acid at codon 63 from Cysteine to Tyrosine. This variant has been observed in at least one proband with clinical features consistent with Fabry disease (PMID:39980015;31568064;36595126;32583479). At least one functional study has demonstrated a substantial alteration in protein function relative to the wild-type (PMID:32023956;27657681). This variant is located in a mutational hotspot and/or important functional domain. It is absent or not present at a significant frequency in gnomAD. In silico models predict that this variant is possibly or probably damaging. In conclusion, we classify GLA p.Cys63Tyr (c.188G>A) as a pathogenic variant.

3billion
Classification: Pathogenic for Fabry disease. Last evaluated: 2025-05-08. Review status: criteria provided, single submitter. Criteria: ACMG Guidelines, 2015. Collection method: clinical testing. Allele origin: germline. Affected: yes.
Comment: The variant is not observed in the gnomAD v4.1.0 dataset. Predicted Consequence/Location: Missense variant Functional studies provide strong evidence of the variant having a damaging effect on the gene or gene product (PMID: 23935525, 27657681). In silico tool predictions suggest damaging effect of the variant on gene or gene product [REVEL: 0.96 (>=0.6, sensitivity 0.68 and specificity 0.92)]. The same nucleotide change resulting in the same amino acid change has been previously reported as pathogenic/likely pathogenic with strong evidence (ClinVar ID: VCV000595414 /PMID: 15776423). A different missense change at the same codon (p.Cys63Ser) has been reported to be associated with GLA-related disorder (PMID: 24830310). Therefore, this variant is classified as Pathogenic according to the recommendation of ACMG/AMP guideline.

Labcorp Genetics (formerly Invitae), Labcorp
Classification: Pathogenic for Fabry disease. Last evaluated: 2023-04-06. Review status: criteria provided, single submitter. Criteria: Invitae Variant Classification Sherloc (09022015). Collection method: clinical testing. Allele origin: germline.
Comment: This variant disrupts the p.Cys63 amino acid residue in GLA. Other variant(s) that disrupt this residue have been observed in individuals with GLA-related conditions (PMID: 24830310, 27585509), which suggests that this may be a clinically significant amino acid residue. This sequence change replaces cysteine, which is neutral and slightly polar, with tyrosine, which is neutral and polar, at codon 63 of the GLA protein (p.Cys63Tyr). This variant is not present in population databases (gnomAD no frequency). This missense change has been observed in individual(s) with Fabry disease (PMID: 15776423, 16720462, 22551898, 27585509). ClinVar contains an entry for this variant (Variation ID: 595414). Advanced modeling of protein sequence and biophysical properties (such as structural, functional, and spatial information, amino acid conservation, physicochemical variation, residue mobility, and thermodynamic stability) performed at Invitae indicates that this missense variant is expected to disrupt GLA protein function. Experimental studies have shown that this missense change affects GLA function (PMID: 23935525). For these reasons, this variant has been classified as Pathogenic.

Eurofins Ntd Llc (ga)
Classification: Pathogenic. Last evaluated: 2017-12-15. Review status: criteria provided, single submitter. Criteria: EGL Classification Definitions 2015. Collection method: clinical testing. Allele origin: germline.

Literature cited by the submitters: PubMed 39980015 (cited by Genomenon, Inc); PubMed 31568064 (cited by Genomenon, Inc); PubMed 36595126 (cited by Genomenon, Inc); PubMed 32583479 (cited by Genomenon, Inc); PubMed 32023956 (cited by Genomenon, Inc); PubMed 27657681 (cited by Genomenon, Inc and 3billion); PubMed 24830310 (cited by 3billion and Labcorp Genetics (formerly Invitae), Labcorp); PubMed 15776423 (cited by 3billion and Labcorp Genetics (formerly Invitae), Labcorp); PubMed 23935525 (cited by 3billion and Labcorp Genetics (formerly Invitae), Labcorp); PubMed 27585509 (cited by Labcorp Genetics (formerly Invitae), Labcorp); PubMed 16720462 (cited by Labcorp Genetics (formerly Invitae), Labcorp); PubMed 22551898 (cited by Labcorp Genetics (formerly Invitae), Labcorp).